The following is an entry in ClinVar:

ClinVar aggregate classification (germline): Conflicting classifications of pathogenicity. Review status: criteria provided, conflicting classifications (1 of 4 stars). 2 submissions from 2 submitters: Uncertain significance (1); Likely benign (1). Last evaluated 2022-06-27.

Conditions:
Developmental and epileptic encephalopathy, 1 (DEE1). Also called: INFANTILE SPASM SYNDROME, X-LINKED 1; X-linked infantile spasms; West's syndrome; Tonic spasms with clustering, arrest of psychomotor development and hypsarrhythmia on EEG; X-Linked Infantile Spasm Syndrome; OHTAHARA SYNDROME, X-LINKED. Identifiers: MedGen C3463992, MONDO:0010632, OMIM 308350. Disease mechanism: loss of function.
Intellectual disability, X-linked, with or without seizures, ARX-related. Also called: MENTAL RETARDATION, X-LINKED 29; MENTAL RETARDATION, X-LINKED 32; MENTAL RETARDATION, X-LINKED 33; MENTAL RETARDATION, X-LINKED 38; MENTAL RETARDATION, X-LINKED 43; MENTAL RETARDATION, X-LINKED 76. Identifiers: Orphanet 777, MedGen C0796244, MONDO:0010317, OMIM 300419.

Allele frequency attached by ClinVar (database versions not stated): TOPMed 0.00001.

Submissions (2):

Labcorp Genetics (formerly Invitae), Labcorp
Classification: Uncertain significance for Developmental and epileptic encephalopathy, 1; Intellectual disability, X-linked, with or without seizures, ARX-related. Last evaluated: 2022-06-27. Review status: criteria provided, single submitter. Criteria: Invitae Variant Classification Sherloc (09022015). Collection method: clinical testing. Allele origin: germline.
Comment: In summary, the available evidence is currently insufficient to determine the role of this variant in disease. Therefore, it has been classified as a Variant of Uncertain Significance. Advanced modeling of protein sequence and biophysical properties (such as structural, functional, and spatial information, amino acid conservation, physicochemical variation, residue mobility, and thermodynamic stability) performed at Invitae indicates that this missense variant is not expected to disrupt ARX protein function. ClinVar contains an entry for this variant (Variation ID: 210336). This variant has not been reported in the literature in individuals affected with ARX-related conditions. This variant is not present in population databases (gnomAD no frequency). This sequence change replaces leucine, which is neutral and non-polar, with phenylalanine, which is neutral and non-polar, at codon 205 of the ARX protein (p.Leu205Phe).

Genetic Services Laboratory, University of Chicago
Classification: Likely benign. Last evaluated: 2015-02-09. Review status: criteria provided, single submitter. Criteria: ACMG Guidelines, 2015. Collection method: clinical testing. Allele origin: germline.

NM_139058.3(ARX):c.613C>T (p.Leu205Phe)

Gene: ARX (aristaless related homeobox; minus strand). Cytogenetic location: Xp21.3.
Variant type: single nucleotide variant.
Coding change: c.613C>T on transcript NM_139058.3 (MANE Select); coding-DNA position 613, C replaced by T.
Protein change: p.Leu205Phe; replaces leucine 205 with phenylalanine.
Molecular consequence: missense variant.
Genome position (GRCh38, 1-based): chrX:25,013,382, G>A on the plus strand (C>T on the coding strand, the complement: ARX is on the minus strand). VCF-style: chrX-25013382-G-A. GRCh37 (hg19) VCF-style: chrX-25031499-G-A.
Other names: short protein forms L205F.
Identifiers: ClinVar variation 210336 (VCV000210336.11), dbSNP rs797045304, ClinGen allele CA207632.